The following is an entry in ClinVar:

NM_019066.5(MAGEL2):c.3044dup (p.Pro1016fs)

Gene: MAGEL2 (MAGE family member L2; minus strand). Cytogenetic location: 15q11.2.
Variant type: Duplication.
Coding change: c.3044dup on transcript NM_019066.5 (MANE Select); coding-DNA position 3044, one base duplicated (A; older notation c.3044dupA).
Protein change: p.Pro1016fs; shifts the reading frame from proline 1016.
Molecular consequence: frameshift variant.
Genome position (GRCh38, 1-based): chr15:23,644,699, T duplicated on the plus strand (A on the coding strand, the reverse complement: MAGEL2 is on the minus strand). VCF-style (leftmost placement, unchanged base first): chr15-23644698-C-CT. GRCh37 (hg19) VCF-style: chr15-23889845-C-CT.
Other names: short protein forms P1016fs.
Identifiers: ClinVar variation 1076479 (VCV001076479.9), dbSNP rs2140712808, ClinGen allele CA2499222851.

ClinVar aggregate classification (germline): Pathogenic (1 of 4 stars; one submission).

Submission:

Labcorp Genetics (formerly Invitae), Labcorp
Classification: Pathogenic. Last evaluated: 2018-05-12. Review status: criteria provided, single submitter. Criteria: Invitae Variant Classification Sherloc (09022015). Collection method: clinical testing. Allele origin: germline.
Comment: This variant is not present in population databases (ExAC no frequency). For these reasons, this variant has been classified as Pathogenic. A different truncation (p.Gln1042*) that lies downstream of this variant has been determined to be pathogenic (PMID: 24076603). In addition, other truncating variants (p.Glu1079* and p.Ile1061Hisfs*7) that lie downstream of this variant have been reported in individuals with features of MAGEL2-related disease (PMID: 24076603, 27195816). This suggests that deletion of this region of the MAGEL2 protein is causative of disease. This variant has not been reported in the literature in individuals with MAGEL2-related disease. This sequence change results in a premature translational stop signal in the MAGEL2 gene (p.Pro1016Alafs*7). While this is not anticipated to result in nonsense mediated decay, it is expected to disrupt the last 234 amino acids of the MAGEL2 protein.

Literature cited by the submitters: PubMed 24076603; PubMed 27195816.